The following is an entry in ClinVar:

ClinVar aggregate classification (germline): Uncertain significance (1 of 4 stars; one submission).

Conditions:
Cranioectodermal dysplasia 1 (CED1). Also called: LEVIN SYNDROME I. Identifiers: Orphanet 1515, MedGen C0432235, MONDO:0021093, OMIM 218330.

Submission:

3billion
Classification: Uncertain significance for Cranioectodermal dysplasia 1. Last evaluated: 2023-09-22. Review status: criteria provided, single submitter. Criteria: ACMG Guidelines, 2015. Collection method: clinical testing. Allele origin: germline. Affected: yes.
Comment: The variant is not observed in the gnomAD v2.1.1 dataset. Predicted Consequence/Location: Intron variant In silico tools predict the variant to alter splicing and produce an abnormal transcript [SpliceAI: 0.27 (>=0.2, moderate evidence for spliceogenicity)]. Therefore, this variant is classified as VUS according to the recommendation of ACMG/AMP guideline.

NM_052989.3(IFT122):c.193+4A>G

Gene: IFT122 (intraflagellar transport 122; plus strand). Cytogenetic location: 3q21.3.
Variant type: single nucleotide variant.
Coding change: c.193+4A>G on transcript NM_052989.3 (MANE Select); 4 bases into the intron after coding-DNA position 193, A replaced by G.
Molecular consequence: intron variant.
Genome position (GRCh38, 1-based): chr3:129,452,002, A>G. VCF-style: chr3-129452002-A-G. GRCh37 (hg19) VCF-style: chr3-129170845-A-G.
Other names: c.-409+4A>G (NM_001280545.2); c.193+4A>G (NM_052985.4, NM_001280541.2, NM_001410808.1 and 8 more transcripts); c.-179+4A>G (NM_001280546.2).
Identifiers: ClinVar variation 3776113 (VCV003776113.1).